The following is an entry in ClinVar:

NM_003998.4(NFKB1):c.2083G>T (p.Glu695Ter)

Gene: NFKB1 (nuclear factor kappa B subunit 1; plus strand). Cytogenetic location: 4q24.
Variant type: single nucleotide variant.
Coding change: c.2083G>T on transcript NM_003998.4 (MANE Select); coding-DNA position 2083, G replaced by T.
Protein change: p.Glu695Ter; replaces glutamic acid 695 with a stop codon.
Molecular consequence: nonsense.
Genome position (GRCh38, 1-based): chr4:102,607,278, G>T. VCF-style: chr4-102607278-G-T. GRCh37 (hg19) VCF-style: chr4-103528435-G-T.
Other names: c.2080G>T, p.Glu694Ter (NM_001165412.2, NM_001319226.2); c.2083G>T, p.Glu695Ter (LRG_1316t1); short protein forms E695*, E694*.
Identifiers: ClinVar variation 452633 (VCV000452633.4), dbSNP rs1553937650, ClinGen allele CA357752545.

ClinVar aggregate classification (germline): Pathogenic. Review status: criteria provided, multiple submitters, no conflicts (2 of 4 stars). 2 submissions from 2 submitters: Pathogenic (2). Last evaluated 2024-10-17.

Submissions (2):

Labcorp Genetics (formerly Invitae), Labcorp
Classification: Pathogenic. Last evaluated: 2024-10-17. Review status: criteria provided, single submitter. Criteria: Invitae Variant Classification Sherloc (09022015). Collection method: clinical testing. Allele origin: germline.
Comment: This sequence change creates a premature translational stop signal (p.Glu695*) in the NFKB1 gene. It is expected to result in an absent or disrupted protein product. Loss-of-function variants in NFKB1 are known to be pathogenic (PMID: 26279205, 29477724). This variant is not present in population databases (gnomAD no frequency). This variant has not been reported in the literature in individuals affected with NFKB1-related conditions. ClinVar contains an entry for this variant (Variation ID: 452633). Algorithms developed to predict the effect of sequence changes on RNA splicing suggest that this variant may disrupt the consensus splice site. For these reasons, this variant has been classified as Pathogenic.

GeneDx
Classification: Pathogenic. Last evaluated: 2017-10-09. Review status: criteria provided, single submitter. Criteria: GeneDx Variant Classification (06012015). Collection method: clinical testing. Allele origin: germline. Affected: yes.
Comment: The E695X variant in the NFKB1 gene has not been reported previously as a pathogenic variant nor as a benign variant, to our knowledge. This variant is predicted to cause loss of normal protein function either through protein truncation or nonsense-mediated mRNA decay. The E695X variant is not observed in large population cohorts (Lek et al., 2016). We interpret E695X as a pathogenic variant.

Literature cited by the submitters: PubMed 26279205 (cited by Labcorp Genetics (formerly Invitae), Labcorp); PubMed 29477724 (cited by Labcorp Genetics (formerly Invitae), Labcorp).